The following is an entry in ClinVar:

ClinVar aggregate classification (germline): Uncertain significance (0 of 4 stars; one submission).

Conditions:
SEMA3B-related disorder. Also called: SEMA3B-related condition.

gnomAD v4.1: 1 of 1,527,896 alleles (0.000065%); highest among the groups gnomAD compares: South Asian, 0.0012%; no homozygotes.

Submission:

PreventionGenetics, part of Exact Sciences
Classification: Uncertain significance for SEMA3B-related condition. Last evaluated: 2024-08-08. Review status: no assertion criteria provided. Collection method: clinical testing. Allele origin: germline.
Comment: The SEMA3B c.71C>T variant is predicted to result in the amino acid substitution p.Ala24Val. To our knowledge, this variant has not been reported in the literature. This variant is reported in 0.029% of alleles in individuals of European (Non-Finnish) descent in gnomAD. At this time, the clinical significance of this variant is uncertain due to the absence of conclusive functional and genetic evidence.

NM_001290060.2(SEMA3B):c.71C>T (p.Ala24Val)

Gene: SEMA3B (semaphorin 3B; plus strand). Cytogenetic location: 3p21.31.
Variant type: single nucleotide variant.
Coding change: c.71C>T on transcript NM_001290060.2 (MANE Select); coding-DNA position 71, C replaced by T.
Protein change: p.Ala24Val; replaces alanine 24 with valine.
Molecular consequence: missense variant.
Genome position (GRCh38, 1-based): chr3:50,269,311, C>T. VCF-style: chr3-50269311-C-T. GRCh37 (hg19) VCF-style: chr3-50306743-C-T.
Other names: c.71C>T, p.Ala24Val (NM_001005914.3, NM_001290061.1, NM_004636.4); short protein forms A24V.
Identifiers: ClinVar variation 3349480 (VCV003349480.1).